The following is an entry in ClinVar:

ClinVar aggregate classification (germline): Uncertain significance (1 of 4 stars; one submission).

Conditions:
5-Oxoprolinase deficiency (OPLAHD). Also called: 5-OXOPROLINURIA DUE TO 5-OXOPROLINASE DEFICIENCY. Identifiers: Orphanet 33572, MedGen C0268525, MONDO:0009825, OMIM 260005, HP:0040142.

Allele frequency attached by ClinVar (database versions not stated): gnomAD 0.00001.
gnomAD v4.1: 5 of 1,561,254 alleles (0.00032%); highest among the groups gnomAD compares: Admixed American, 0.0019%; no homozygotes.

Submission:

Labcorp Genetics (formerly Invitae), Labcorp
Classification: Uncertain significance for 5-Oxoprolinase deficiency. Last evaluated: 2024-10-26. Review status: criteria provided, single submitter. Criteria: Invitae Variant Classification Sherloc (09022015). Collection method: clinical testing. Allele origin: germline.
Comment: This sequence change replaces glycine with arginine at codon 1132 of the OPLAH protein (p.Gly1132Arg). The glycine residue is highly conserved and there is a moderate physicochemical difference between glycine and arginine. The frequency data for this variant in the population databases is considered unreliable, as metrics indicate poor data quality at this position in the gnomAD database. This variant has not been reported in the literature in individuals affected with OPLAH-related conditions. ClinVar contains an entry for this variant (Variation ID: 1489543). Experimental studies and prediction algorithms are not available or were not evaluated, and the functional significance of this variant is currently unknown. In summary, the available evidence is currently insufficient to determine the role of this variant in disease. Therefore, it has been classified as a Variant of Uncertain Significance.

NM_017570.5(OPLAH):c.3394G>A (p.Gly1132Arg)

Gene: OPLAH (5-oxoprolinase, ATP-hydrolysing; minus strand). Cytogenetic location: 8q24.3.
Variant type: single nucleotide variant.
Coding change: c.3394G>A on transcript NM_017570.5 (MANE Select); coding-DNA position 3394, G replaced by A.
Protein change: p.Gly1132Arg; replaces glycine 1132 with arginine.
Molecular consequence: missense variant.
Genome position (GRCh38, 1-based): chr8:144,052,236, C>T on the plus strand (G>A on the coding strand, the complement: OPLAH is on the minus strand). VCF-style: chr8-144052236-C-T. GRCh37 (hg19) VCF-style: chr8-145107139-C-T.
Other names: short protein forms G1132R.
Identifiers: ClinVar variation 1489543 (VCV001489543.6), dbSNP rs782653195, ClinGen allele CA372532142.